The following is an entry in ClinVar:

NM_000051.4(ATM):c.7375C>A (p.Arg2459Ser)

Genes: ATM (ATM serine/threonine kinase; plus strand), C11orf65 (chromosome 11 open reading frame 65; minus strand). Cytogenetic location: 11q22.3.
Variant type: single nucleotide variant.
Coding change: c.7375C>A on transcript NM_000051.4 (MANE Select); coding-DNA position 7375, C replaced by A.
Protein change: p.Arg2459Ser; replaces arginine 2459 with serine.
Molecular consequence: missense variant. On other transcripts: intron variant (2).
Genome position (GRCh38, 1-based): chr11:108,330,281, C>A. VCF-style: chr11-108330281-C-A. GRCh37 (hg19) VCF-style: chr11-108201008-C-A.
Other names: c.7375C>A, p.Arg2459Ser (NM_001351834.2); c.641-21210G>T (NM_001330368.2); c.*38+4939G>T (NM_001351110.2); short protein forms R2459S.
Identifiers: ClinVar variation 826999 (VCV000826999.12), dbSNP rs730881383, ClinGen allele CA382560009.
Genomic context (GRCh38, chr11:108,330,281, plus strand): 5'-GTAAAGGTTCAGCGAGAGCTGGAGTTGGATGAATTAGCCCTGCGTGCACTGAAAGAGGAT[C>A]GTAAACGCTTCTTATGTAAAGCAGTTGAAAATTATATCAACTGCTTATTAAGTGGAGAAG-3'
Protein context (NP_000042.3, residues 2449-2469): ELALRALKED[Arg2459Ser]KRFLCKAVEN

ClinVar aggregate classification (germline): Uncertain significance. Review status: criteria provided, multiple submitters, no conflicts (2 of 4 stars). 2 submissions from 2 submitters: Uncertain significance (2). Last evaluated 2025-10-27.

Conditions:
Hereditary cancer-predisposing syndrome. Also called: Tumor predisposition; Neoplastic Syndromes, Hereditary; Hereditary Cancer Syndrome; Hereditary neoplastic syndrome. Identifiers: Orphanet 140162, MedGen C0027672, MeSH D009386, MONDO:0015356.
Ataxia-telangiectasia syndrome (AT). Also called: ATAXIA-TELANGIECTASIA, COMPLEMENTATION GROUP A; ATAXIA-TELANGIECTASIA, FRESNO VARIANT; Ataxia-telangiectasia; Ataxia-telangiectasia, complementation group D; AT, COMPLEMENTATION GROUP C; Ataxia-telangiectasia, complementation group E. Identifiers: Orphanet 100, MedGen C0004135, MONDO:0008840, OMIM 208900.

Submissions (2):

Ambry Genetics
Classification: Uncertain significance for Hereditary cancer-predisposing syndrome. Last evaluated: 2025-10-27. Review status: criteria provided, single submitter. Criteria: Ambry Variant Classification Scheme 2023. Collection method: clinical testing. Allele origin: germline.
Comment: The p.R2459S variant (also known as c.7375C>A), located in coding exon 49 of the ATM gene, results from a C to A substitution at nucleotide position 7375. The arginine at codon 2459 is replaced by serine, an amino acid with dissimilar properties. This amino acid position is highly conserved in available vertebrate species. In addition, this alteration is predicted to be deleterious by in silico analysis. Based on the available evidence, the clinical significance of this variant remains unclear.

Labcorp Genetics (formerly Invitae), Labcorp
Classification: Uncertain significance for Ataxia-telangiectasia syndrome. Last evaluated: 2020-12-06. Review status: criteria provided, single submitter. Criteria: Invitae Variant Classification Sherloc (09022015). Collection method: clinical testing. Allele origin: germline.
Comment: In summary, the available evidence is currently insufficient to determine the role of this variant in disease. Therefore, it has been classified as a Variant of Uncertain Significance. Advanced modeling of protein sequence and biophysical properties (such as structural, functional, and spatial information, amino acid conservation, physicochemical variation, residue mobility, and thermodynamic stability) performed at Invitae indicates that this missense variant is expected to disrupt ATM protein function. This variant has not been reported in the literature in individuals with ATM-related conditions. ClinVar contains an entry for this variant (Variation ID: 826999). This variant is not present in population databases (ExAC no frequency). This sequence change replaces arginine with serine at codon 2459 of the ATM protein (p.Arg2459Ser). The arginine residue is highly conserved and there is a moderate physicochemical difference between arginine and serine.